The following is an entry in ClinVar:

ClinVar aggregate classification (germline): Uncertain significance (1 of 4 stars; one submission).

Conditions:
Treacher Collins syndrome 4. Identifiers: MedGen C5394546, MONDO:0030067, OMIM 618939.

Submission:

Juno Genomics, Hangzhou Juno Genomics, Inc
Classification: Uncertain significance for Treacher Collins syndrome 4. Review status: criteria provided, single submitter. Criteria: ACMG Guidelines, 2015. Collection method: clinical testing. Allele origin: germline. Affected: yes.
Comment: Absent from controls (or at extremely low frequency if recessive) in Genome Aggregation Database, Exome Sequencing Project, 1000 Genomes Project, or Exome Aggregation Consortium.;Patient's phenotype or family history is highly specific for a disease with a single genetic etiology.

NM_019014.6(POLR1B):c.921C>G (p.Cys307Trp)

Gene: POLR1B (RNA polymerase I subunit B; plus strand). Cytogenetic location: 2q14.1.
Variant type: single nucleotide variant.
Coding change: c.921C>G on transcript NM_019014.6 (MANE Select); coding-DNA position 921, C replaced by G.
Protein change: p.Cys307Trp; replaces cysteine 307 with tryptophan.
Molecular consequence: missense variant.
Genome position (GRCh38, 1-based): chr2:112,551,933, C>G. VCF-style: chr2-112551933-C-G. GRCh37 (hg19) VCF-style: chr2-113309510-C-G.
Other names: c.753C>G, p.Cys251Trp (NM_001137604.3); c.1035C>G, p.Cys345Trp (NM_001282772.2); c.921C>G, p.Cys307Trp (NM_001282774.2, NM_001371969.1); c.288C>G, p.Cys96Trp (NM_001282776.2, NM_001371971.1); c.504C>G, p.Cys168Trp (NM_001282777.2, NM_001282779.2, NM_001371970.1); short protein forms C168W, C251W, C307W, C345W, C96W.
Identifiers: ClinVar variation 3382286 (VCV003382286.2).